The following is an entry in ClinVar:

ClinVar aggregate classification (germline): Uncertain significance. Review status: criteria provided, multiple submitters, no conflicts (2 of 4 stars). 2 submissions from 2 submitters: Uncertain significance (2). Last evaluated 2025-11-06.

Conditions:
Cardiovascular phenotype. Identifiers: MedGen CN230736.
Noonan syndrome 8 (NS8). Identifiers: Orphanet 648, MedGen C3809233, MONDO:0014143, OMIM 615355.

Allele frequency attached by ClinVar (database versions not stated): TOPMed 0.00001; ExAC 0.00002; gnomAD exomes 0.00005; gnomAD 0.00001.
gnomAD v4.1: 65 of 1,614,122 alleles (0.004%); highest among the groups gnomAD compares: Non-Finnish European, 0.0055%; no homozygotes.

Submissions (2):

Labcorp Genetics (formerly Invitae), Labcorp
Classification: Uncertain significance for Noonan syndrome 8. Last evaluated: 2025-11-06. Review status: criteria provided, single submitter. Criteria: Invitae Variant Classification Sherloc (09022015). Collection method: clinical testing. Allele origin: germline.
Comment: This sequence change replaces isoleucine, which is neutral and non-polar, with threonine, which is neutral and polar, at codon 42 of the RIT1 protein (p.Ile42Thr). This variant is present in population databases (rs765636979, gnomAD 0.0009%). This variant has not been reported in the literature in individuals affected with RIT1-related conditions. ClinVar contains an entry for this variant (Variation ID: 2861906). An algorithm developed to predict the effect of missense changes on protein structure and function (PolyPhen-2) suggests that this variant is likely to be disruptive. In summary, the available evidence is currently insufficient to determine the role of this variant in disease. Therefore, it has been classified as a Variant of Uncertain Significance.

Ambry Genetics
Classification: Uncertain significance for Cardiovascular phenotype. Last evaluated: 2023-10-15. Review status: criteria provided, single submitter. Criteria: Ambry Variant Classification Scheme 2023. Collection method: clinical testing. Allele origin: germline.
Comment: The p.I42T variant (also known as c.125T>C), located in coding exon 2 of the RIT1 gene, results from a T to C substitution at nucleotide position 125. The isoleucine at codon 42 is replaced by threonine, an amino acid with similar properties. This amino acid position is conserved. In addition, the in silico prediction for this alteration is inconclusive. Since supporting evidence is limited at this time, the clinical significance of this alteration remains unclear.

NM_006912.6(RIT1):c.125T>C (p.Ile42Thr)

Gene: RIT1 (Ras like without CAAX 1; minus strand). Cytogenetic location: 1q22.
Variant type: single nucleotide variant.
Coding change: c.125T>C on transcript NM_006912.6 (MANE Select); coding-DNA position 125, T replaced by C.
Protein change: p.Ile42Thr; replaces isoleucine 42 with threonine.
Molecular consequence: missense variant.
Genome position (GRCh38, 1-based): chr1:155,910,488, A>G on the plus strand (T>C on the coding strand, the complement: RIT1 is on the minus strand). VCF-style: chr1-155910488-A-G. GRCh37 (hg19) VCF-style: chr1-155880279-A-G.
Other names: c.17T>C, p.Ile6Thr (NM_001256820.2); c.176T>C, p.Ile59Thr (NM_001256821.2); c.125T>C (NM_006912.4); short protein forms I6T, I42T, I59T.
Identifiers: ClinVar variation 2861906 (VCV002861906.4), dbSNP rs765636979, ClinGen allele CA1151881.